The following is an entry in ClinVar:

ClinVar aggregate classification (germline): Pathogenic (1 of 4 stars; one submission).

Conditions:
Cystic fibrosis (CF). Also called: MUCOVISCIDOSIS. Identifiers: Orphanet 586, MedGen C0010674, MONDO:0009061, OMIM 219700. Disease mechanism: loss of function.

Submission:

Women's Health and Genetics/Laboratory Corporation of America, LabCorp
Classification: Pathogenic for Cystic fibrosis. Last evaluated: 2023-05-15. Review status: criteria provided, single submitter. Criteria: LabCorp Variant Classification Summary - May 2015. Collection method: clinical testing. Allele origin: germline.
Comment: Variant summary: The variant identified by MLPA or other technology involves the deletion of exon 12 in the CFTR gene. A presumed nomenclature of c.(1584+1_1585-1)_(1679+1_1680-1)del has been designated for the purposes of this classification. Although exact breakpoints of this deletion are not known, it is expected to result in a frameshift in the CFTR gene, a known mechanism of disease. The variant was absent in 21694 control chromosomes (gnomAD, Structural Variants dataset). The available data on variant occurrences in the general population are insufficient to allow any conclusion about variant significance. c.(1584+1_1585-1)_(1679+1_1680-1)del has been reported in the literature in individuals affected with Cystic Fibrosis (e.g., Schrijver_2016, Ruiz-Cabezas_2019). These data indicate that the variant is likely to be associated with disease. The following publications have been ascertained in the context of this evaluation (PMID: 26708955, 30763667). One clinical diagnostic laboratory has submitted clinical-significance assessments for this variant to ClinVar after 2014 and classified the variant as pathogenic. Based on the evidence outlined above, the variant was classified as pathogenic.

Literature cited by the submitters: PubMed 26708955; PubMed 30763667.

NC_000007.13:g.(117199710_117227792)_(117227888_117230406)del

Gene: CFTR (CF transmembrane conductance regulator; plus strand). Cytogenetic location: 7q31.2.
Variant type: Deletion.
Identifiers: ClinVar variation 2506204 (VCV002506204.1).